The following is an entry in ClinVar:

NM_006593.4(TBR1):c.2045G>T (p.Ser682Ile)

Gene: TBR1 (T-box brain transcription factor 1; plus strand). Cytogenetic location: 2q24.2.
Variant type: single nucleotide variant.
Coding change: c.2045G>T on transcript NM_006593.4 (MANE Select); coding-DNA position 2045, G replaced by T.
Protein change: p.Ser682Ile; replaces serine 682 with isoleucine.
Molecular consequence: missense variant.
Genome position (GRCh38, 1-based): chr2:161,424,223, G>T. VCF-style: chr2-161424223-G-T. GRCh37 (hg19) VCF-style: chr2-162280734-G-T.
Other names: short protein forms S682I.
Identifiers: ClinVar variation 4282156 (VCV004282156.1).

ClinVar aggregate classification (germline): Uncertain significance (1 of 4 stars; one submission).

Submission:

GeneDx
Classification: Uncertain significance. Last evaluated: 2025-04-17. Review status: criteria provided, single submitter. Criteria: GeneDx Variant Classification Process June 2021. Collection method: clinical testing. Allele origin: germline. Affected: yes.
Comment: Not observed at significant frequency in large population cohorts (gnomAD); In silico analysis indicates that this missense variant does not alter protein structure/function; Has not been previously published as pathogenic or benign to our knowledge